The following is an entry in ClinVar:

ClinVar aggregate classification (germline): Uncertain significance. Review status: criteria provided, multiple submitters, no conflicts (2 of 4 stars). 3 submissions from 3 submitters: Uncertain significance (3). Last evaluated 2025-11-25.

Conditions:
Orofaciodigital syndrome type 6 (OFD6). Also called: OROFACIODIGITAL SYNDROME VI; OFDS VI; POLYDACTYLY, CLEFT LIP/PALATE OR LINGUAL LUMP, AND PSYCHOMOTOR RETARDATION; VARADI SYNDROME; VARADI-PAPP SYNDROME; Oral-facial-digital syndrome type 6. Identifiers: Orphanet 2754, MedGen C2745997, MONDO:0010176, OMIM 277170.
Joubert syndrome 17 (JBTS17). Identifiers: Orphanet 475, MedGen C3553264, MONDO:0013824, OMIM 614615.

Allele frequency attached by ClinVar (database versions not stated): gnomAD 0.00001; gnomAD exomes 0.00004; ExAC 0.00057.
gnomAD v4.1: 53 of 1,528,252 alleles (0.0035%); highest among the groups gnomAD compares: South Asian, 0.063%; no homozygotes.

Submissions (3):

Women's Health and Genetics/Laboratory Corporation of America, LabCorp
Classification: Uncertain significance. Last evaluated: 2025-11-25. Review status: criteria provided, single submitter. Criteria: LabCorp Variant Classification Summary - May 2015. Collection method: clinical testing. Allele origin: germline.
Comment: Variant summary: CPLANE1 c.2920+5T>C alters a nucleotide located close to a canonical splice site and therefore could affect mRNA splicing, leading to a significantly altered protein sequence. Consensus agreement among computation tools predict no significant impact on normal splicing. However, these predictions have yet to be confirmed by functional studies. The variant allele was found at a frequency of 3.5e-05 in 1528252 control chromosomes. This frequency is not significantly higher than estimated for disease-causing variants in CPLANE1, allowing no conclusion about variant significance. To our knowledge, no occurrence of c.2920+5T>C in individuals affected with CPLANE1-related conditions and no experimental evidence demonstrating its impact on protein function have been reported. ClinVar contains an entry for this variant (Variation ID: 2056007). Based on the evidence outlined above, the variant was classified as uncertain significance.

Fulgent Genetics
Classification: Uncertain significance for Orofaciodigital syndrome type 6; Joubert syndrome 17. Last evaluated: 2024-02-19. Review status: criteria provided, single submitter. Criteria: ACMG Guidelines, 2015. Collection method: clinical testing. Allele origin: germline.

Labcorp Genetics (formerly Invitae), Labcorp
Classification: Uncertain significance. Last evaluated: 2022-05-30. Review status: criteria provided, single submitter. Criteria: Invitae Variant Classification Sherloc (09022015). Collection method: clinical testing. Allele origin: germline.
Comment: This sequence change falls in intron 16 of the CPLANE1 gene. It does not directly change the encoded amino acid sequence of the CPLANE1 protein. It affects a nucleotide within the consensus splice site. This variant is present in population databases (rs753188575, gnomAD 0.07%). This variant has not been reported in the literature in individuals affected with CPLANE1-related conditions. Variants that disrupt the consensus splice site are a relatively common cause of aberrant splicing (PMID: 17576681, 9536098). Algorithms developed to predict the effect of sequence changes on RNA splicing suggest that this variant is not likely to affect RNA splicing. In summary, the available evidence is currently insufficient to determine the role of this variant in disease. Therefore, it has been classified as a Variant of Uncertain Significance.

Literature cited by the submitters: PubMed 17576681 (cited by Labcorp Genetics (formerly Invitae), Labcorp); PubMed 9536098 (cited by Labcorp Genetics (formerly Invitae), Labcorp).

NM_001384732.1(CPLANE1):c.2920+5T>C

Gene: CPLANE1 (ciliogenesis and planar polarity effector complex subunit 1; minus strand). Cytogenetic location: 5p13.2.
Variant type: single nucleotide variant.
Coding change: c.2920+5T>C on transcript NM_001384732.1 (MANE Select); 5 bases into the intron after coding-DNA position 2920, T replaced by C.
Molecular consequence: intron variant.
Genome position (GRCh38, 1-based): chr5:37,213,554, A>G on the plus strand (T>C on the coding strand, the complement: CPLANE1 is on the minus strand). VCF-style: chr5-37213554-A-G. GRCh37 (hg19) VCF-style: chr5-37213656-A-G.
Other names: c.2920+5T>C (NM_023073.4, NM_023073.3).
Identifiers: ClinVar variation 2056007 (VCV002056007.3), dbSNP rs753188575, ClinGen allele CA3239007.
Genomic context (GRCh38, chr5:37,213,554, plus strand): 5'-TGTTTTAAATATTATATTATGTGCAATGCAAAAAAAGTTTAAAAAGGATTTGTTTACTAC[A>G]TTACCTGTTTTAATATGAAGTGGGGGAAGAACATTCACATGATGAGGGGGCAAAATGCAA-3'